The following is an entry in ClinVar:

ClinVar aggregate classification (germline): Conflicting classifications of pathogenicity. Review status: criteria provided, conflicting classifications (1 of 4 stars). 8 submissions from 8 submitters: Uncertain significance (1); Benign (3); Likely benign (3). 1 of the submissions does not count toward it. Last evaluated 2026-07-01.

Conditions:
Polycystic kidney disease 4 (PKD4). Also called: Autosomal Recessive Polycystic Kidney Disease – PKHD1; POLYCYSTIC KIDNEY AND HEPATIC DISEASE 1; POLYCYSTIC KIDNEY DISEASE, INFANTILE, TYPE I; POLYCYSTIC KIDNEY DISEASE 4 WITH OR WITHOUT POLYCYSTIC LIVER DISEASE; PKD3. Identifiers: MedGen C4540575, MONDO:0033004, OMIM 263200.
Autosomal recessive polycystic kidney disease (ARPKD). Also called: AR polycystic kidney disease. Identifiers: Orphanet 731, Orphanet 8378, MedGen C0085548, MeSH D017044, MONDO:0009889.

Allele frequency attached by ClinVar (database versions not stated): ESP Exome Variant Server 0.00015; TOPMed 0.00026; gnomAD 0.00029; 1000 Genomes Project 30x 0.00234; 1000 Genomes Project 0.00260.
gnomAD v4.1: 1,418 of 1,614,006 alleles (0.088%); highest among the groups gnomAD compares: South Asian, 0.97%; 16 homozygotes.

Submissions (8):

CeGaT Center for Human Genetics Tuebingen
Classification: Likely benign. Last evaluated: 2026-07-01. Review status: criteria provided, single submitter. Criteria: CeGaT Center For Human Genetics Tuebingen Variant Classification Criteria Version 2. Collection method: clinical testing. Allele origin: germline. Affected: yes. Observed: 7 variant alleles.
Comment: PKHD1: PM5, BP4, BS2

Labcorp Genetics (formerly Invitae), Labcorp
Classification: Benign for Autosomal recessive polycystic kidney disease. Last evaluated: 2026-02-02. Review status: criteria provided, single submitter. Criteria: Invitae Variant Classification Sherloc (09022015). Collection method: clinical testing. Allele origin: germline.

Mayo Clinic Laboratories, Mayo Clinic
Classification: Benign. Last evaluated: 2025-05-30. Review status: criteria provided, single submitter. Criteria: ACMG Guidelines, 2015. Collection method: clinical testing. Allele origin: germline. Observed: 2 variant alleles.
Comment: BS1, BS2, BP5

Women's Health and Genetics/Laboratory Corporation of America, LabCorp
Classification: Likely benign. Last evaluated: 2022-07-12. Review status: criteria provided, single submitter. Criteria: LabCorp Variant Classification Summary - May 2015. Collection method: clinical testing. Allele origin: germline.
Comment: Variant summary: PKHD1 c.2168G>T (p.Arg723Leu) results in a non-conservative amino acid change in the encoded protein sequence. Four of five in-silico tools predict a benign effect of the variant on protein function. The variant allele was found at a frequency of 0.0015 in 250710 control chromosomes (gnomAD), predominantly at a frequency of 0.01 within the South Asian subpopulation in the gnomAD database, including 4 homozygotes. The observed variant frequency within South Asian control individuals in the gnomAD database is approximately 1.41 fold of the estimated maximal expected allele frequency for a pathogenic variant in PKHD1 causing Polycystic Kidney And Hepatic Disease (0.0071), suggesting that the variant is a benign polymorphism found primarily in populations of South Asian origin. c.2168G>T has been reported in the literature in one heterozygous individual affected with Polycystic Kidney Disease, however this individual also carried a different pathogenic variant in the PKD1 gene (c.6040C>T, p.Gln2014Ter) that was determined to be the cause of the patient's phenotype (Eisenberger_2014). To our knowledge, no experimental evidence demonstrating an impact on protein function has been reported. Five ClinVar submitters have assessed the variant since 2014: one classified the variant as VUS, one as likely benign, and three as benign. Based on the evidence outlined above, the variant was classified as likely benign.

Genome-Nilou Lab
Classification: Likely benign for Polycystic kidney disease 4. Last evaluated: 2021-05-18. Review status: criteria provided, single submitter. Criteria: ACMG Guidelines, 2015. Collection method: clinical testing. Allele origin: germline. Affected: no.

Illumina Laboratory Services, Illumina
Classification: Uncertain significance for Polycystic kidney disease 4. Last evaluated: 2018-01-12. Review status: criteria provided, single submitter. Criteria: ICSL Variant Classification Criteria 13 December 2019. Collection method: clinical testing. Allele origin: germline.

Eurofins Ntd Llc (ga)
Classification: Benign. Last evaluated: 2016-11-10. Review status: criteria provided, single submitter. Criteria: EGL Classification Definitions 2015. Collection method: clinical testing. Allele origin: germline. Observed: 1 variant allele, 1 heterozygote.

Natera, Inc.
Classification: Benign for Autosomal recessive polycystic kidney disease. Last evaluated: 2019-12-17. Review status: no assertion criteria provided. Collection method: clinical testing. Allele origin: germline. Not counted in ClinVar's aggregate classification.

Literature cited by the submitters: PubMed 25646624 (cited by Women's Health and Genetics/Laboratory Corporation of America, LabCorp).

NM_138694.4(PKHD1):c.2168G>T (p.Arg723Leu)

Gene: PKHD1 (PKHD1 ciliary IPT domain containing fibrocystin/polyductin; minus strand). Cytogenetic location: 6p12.2.
Variant type: single nucleotide variant.
Coding change: c.2168G>T on transcript NM_138694.4 (MANE Select); coding-DNA position 2168, G replaced by T.
Protein change: p.Arg723Leu; replaces arginine 723 with leucine.
Molecular consequence: missense variant.
Genome position (GRCh38, 1-based): chr6:52,050,268, C>A on the plus strand (G>T on the coding strand, the complement: PKHD1 is on the minus strand). VCF-style: chr6-52050268-C-A. GRCh37 (hg19) VCF-style: chr6-51915066-C-A.
Other names: p.Arg723Leu; c.2168G>T, p.Arg723Leu (NM_170724.3); short protein forms R723L.
Identifiers: ClinVar variation 498428 (VCV000498428.49), dbSNP rs150597050, ClinGen allele CA3853311.